The following is an entry in ClinVar:

NM_017563.5(IL17RD):c.64C>G (p.Gln22Glu)

Genes: IL17RD (interleukin 17 receptor D; minus strand), LOC129936924 (ATAC-STARR-seq lymphoblastoid silent region 14478; plus strand). Cytogenetic location: 3p14.3.
Variant type: single nucleotide variant.
Coding change: c.64C>G on transcript NM_017563.5 (MANE Select); coding-DNA position 64, C replaced by G.
Protein change: p.Gln22Glu; replaces glutamine 22 with glutamic acid.
Molecular consequence: missense variant. On other transcripts: intron variant (1).
Genome position (GRCh38, 1-based): chr3:57,165,223, G>C on the plus strand (C>G on the coding strand, the complement: IL17RD is on the minus strand). VCF-style: chr3-57165223-G-C. GRCh37 (hg19) VCF-style: chr3-57199251-G-C.
Other names: c.-307+4009C>G (NM_001318864.2); short protein forms Q22E.
Identifiers: ClinVar variation 3339133 (VCV003339133.1).

ClinVar aggregate classification (germline): Uncertain significance (1 of 4 stars; one submission).

Submission:

Women's Health and Genetics/Laboratory Corporation of America, LabCorp
Classification: Uncertain significance. Last evaluated: 2024-07-05. Review status: criteria provided, single submitter. Criteria: LabCorp Variant Classification Summary - May 2015. Collection method: clinical testing. Allele origin: germline.
Comment: Variant summary: IL17RD c.64C>G (p.Gln22Glu) results in a conservative amino acid change in the encoded protein sequence. Five of five in-silico tools predict a benign effect of the variant on protein function. The variant was absent in 121946 control chromosomes. The available data on variant occurrences in the general population are insufficient to allow any conclusion about variant significance. To our knowledge, no occurrence of c.64C>G in individuals affected with Hypogonadotropic Hypogonadism 18 With Or Without Anosmia and no experimental evidence demonstrating its impact on protein function have been reported. No submitters have cited clinical-significance assessments for this variant to ClinVar. Based on the evidence outlined above, the variant was classified as uncertain significance.